The following is an entry in ClinVar:

ClinVar aggregate classification (germline): Uncertain significance (1 of 4 stars; one submission).

Conditions:
Baller-Gerold syndrome (BGS). Also called: CRANIOSYNOSTOSIS WITH RADIAL DEFECTS. Identifiers: Orphanet 1225, MedGen C0265308, MONDO:0009039, OMIM 218600.

Submission:

Labcorp Genetics (formerly Invitae), Labcorp
Classification: Uncertain significance for Baller-Gerold syndrome. Last evaluated: 2023-03-02. Review status: criteria provided, single submitter. Criteria: Invitae Variant Classification Sherloc (09022015). Collection method: clinical testing. Allele origin: germline.
Comment: This sequence change replaces glycine, which is neutral and non-polar, with arginine, which is basic and polar, at codon 1023 of the RECQL4 protein (p.Gly1023Arg). This variant is not present in population databases (gnomAD no frequency). This variant has not been reported in the literature in individuals affected with RECQL4-related conditions. Advanced modeling of protein sequence and biophysical properties (such as structural, functional, and spatial information, amino acid conservation, physicochemical variation, residue mobility, and thermodynamic stability) performed at Invitae indicates that this missense variant is not expected to disrupt RECQL4 protein function. Algorithms developed to predict the effect of sequence changes on RNA splicing suggest that this variant may disrupt the consensus splice site. In summary, the available evidence is currently insufficient to determine the role of this variant in disease. Therefore, it has been classified as a Variant of Uncertain Significance.

NM_004260.4(RECQL4):c.3067G>C (p.Gly1023Arg)

Gene: RECQL4 (RecQ like helicase 4; minus strand). Cytogenetic location: 8q24.3.
Variant type: single nucleotide variant.
Coding change: c.3067G>C on transcript NM_004260.4 (MANE Select); coding-DNA position 3067, G replaced by C.
Protein change: p.Gly1023Arg; replaces glycine 1023 with arginine.
Molecular consequence: missense variant. On other transcripts: non-coding transcript variant (2).
Genome position (GRCh38, 1-based): chr8:144,512,313, C>G on the plus strand (G>C on the coding strand, the complement: RECQL4 is on the minus strand). VCF-style: chr8-144512313-C-G. GRCh37 (hg19) VCF-style: chr8-145737696-C-G.
Other names: c.2773G>C, p.Gly925Arg (NM_001413017.1); c.2869G>C, p.Gly957Arg (NM_001413018.1); c.3142G>C, p.Gly1048Arg (NM_001413019.1); c.2971G>C, p.Gly991Arg (NM_001413020.1); c.1996G>C, p.Gly666Arg (NM_001413021.1, NM_001413022.1, NM_001413024.1 and 4 more transcripts); c.2071G>C, p.Gly691Arg (NM_001413023.1); c.2938G>C, p.Gly980Arg (NM_001413025.1); c.1930G>C, p.Gly644Arg (NM_001413027.1, NM_001413030.1, NM_001413032.1); and 9 more; short protein forms G600R, G644R, G691R, G957R, G980R, G1023R, G1048R, G1013R.
Identifiers: ClinVar variation 2842040 (VCV002842040.3), dbSNP rs1586793995, ClinGen allele CA372670892.
Genomic context (GRCh38, chr8:144,512,313, plus strand): 5'-AGTCCCCCGGGCTGCGAAGGTGGAAGGCCAGCTCACTGAACTCCACAAGCACCCCTGTCC[C>G]ACGCCGCACACCTGCCGGAAAGCATGTCAGATGCAGGCAGGCAGCGTCCAGGGCGGTGTG-3'
Protein context (NP_004251.4, residues 1013-1033): DHEPRTGVRR[Gly1023Arg]TGVLVEFSEL